The following is an entry in ClinVar:

ClinVar aggregate classification (germline): Uncertain significance (1 of 4 stars; one submission).

gnomAD v4.1: 2 of 1,564,376 alleles (0.00013%); highest among the groups gnomAD compares: East Asian, 0.0048%; no homozygotes.

Submission:

Labcorp Genetics (formerly Invitae), Labcorp
Classification: Uncertain significance. Last evaluated: 2025-01-06. Review status: criteria provided, single submitter. Criteria: Invitae Variant Classification Sherloc (09022015). Collection method: clinical testing. Allele origin: germline.
Comment: This sequence change replaces cysteine, which is neutral and slightly polar, with glycine, which is neutral and non-polar, at codon 88 of the FSCN2 protein (p.Cys88Gly). This variant is not present in population databases (gnomAD no frequency). This variant has not been reported in the literature in individuals affected with FSCN2-related conditions. An algorithm developed to predict the effect of missense changes on protein structure and function (PolyPhen-2) suggests that this variant is likely to be tolerated. In summary, the available evidence is currently insufficient to determine the role of this variant in disease. Therefore, it has been classified as a Variant of Uncertain Significance.

NM_012418.4(FSCN2):c.262T>G (p.Cys88Gly)

Gene: FSCN2 (fascin actin-bundling protein 2, retinal; plus strand). Cytogenetic location: 17q25.3.
Variant type: single nucleotide variant.
Coding change: c.262T>G on transcript NM_012418.4 (MANE Select); coding-DNA position 262, T replaced by G.
Protein change: p.Cys88Gly; replaces cysteine 88 with glycine.
Molecular consequence: missense variant.
Genome position (GRCh38, 1-based): chr17:81,528,793, T>G. VCF-style: chr17-81528793-T-G. GRCh37 (hg19) VCF-style: chr17-79495819-T-G.
Other names: c.262T>G, p.Cys88Gly (NM_001077182.3); short protein forms C88G.
Identifiers: ClinVar variation 3659408 (VCV003659408.2).